The following is an entry in ClinVar:

NM_016038.4(SBDS):c.739G>A (p.Glu247Lys)

Gene: SBDS (SBDS ribosome maturation factor; minus strand). Cytogenetic location: 7q11.21.
Variant type: single nucleotide variant.
Coding change: c.739G>A on transcript NM_016038.4 (MANE Select); coding-DNA position 739, G replaced by A.
Protein change: p.Glu247Lys; replaces glutamic acid 247 with lysine.
Molecular consequence: missense variant.
Genome position (GRCh38, 1-based): chr7:66,988,385, C>T on the plus strand (G>A on the coding strand, the complement: SBDS is on the minus strand). VCF-style: chr7-66988385-C-T. GRCh37 (hg19) VCF-style: chr7-66453372-C-T.
Other names: short protein forms E247K.
Identifiers: ClinVar variation 3792714 (VCV003792714.1).

ClinVar aggregate classification (germline): Uncertain significance (1 of 4 stars; one submission).

Conditions:
Inborn genetic diseases. Identifiers: MedGen C0950123, MeSH D030342.

Submission:

Ambry Genetics
Classification: Uncertain significance for Inborn genetic diseases. Last evaluated: 2025-01-17. Review status: criteria provided, single submitter. Criteria: Ambry Variant Classification Scheme 2023. Collection method: clinical testing. Allele origin: germline.
Comment: The p.E247K variant (also known as c.739G>A), located in coding exon 5 of the SBDS gene, results from a G to A substitution at nucleotide position 739. The glutamic acid at codon 247 is replaced by lysine, an amino acid with similar properties. This amino acid position is conserved. In addition, this alteration is predicted to be deleterious by in silico analysis. Based on the available evidence, the clinical significance of this variant remains unclear.